The following is an entry in ClinVar:

NM_000081.4(LYST):c.4615A>G (p.Ile1539Val)

Gene: LYST (lysosomal trafficking regulator; minus strand). Cytogenetic location: 1q42.3.
Variant type: single nucleotide variant.
Coding change: c.4615A>G on transcript NM_000081.4 (MANE Select); coding-DNA position 4615, A replaced by G.
Protein change: p.Ile1539Val; replaces isoleucine 1539 with valine.
Molecular consequence: missense variant.
Genome position (GRCh38, 1-based): chr1:235,788,774, T>C on the plus strand (A>G on the coding strand, the complement: LYST is on the minus strand). VCF-style: chr1-235788774-T-C. GRCh37 (hg19) VCF-style: chr1-235952074-T-C.
Other names: c.4615A>G, p.Ile1539Val (NM_001301365.1); short protein forms I1539V.
Identifiers: ClinVar variation 2083313 (VCV002083313.2), dbSNP rs368074318, ClinGen allele CA1466794.
Genomic context (GRCh38, chr1:235,788,774, plus strand): 5'-TGGCATTGTGGGGATCAGCCCACACTTGGATCATCAACGCTTTGGATCCCAGTGAAATTA[T>C]ATGAATACATCCTTCTTCTATGAGTCTTTCACCAGGATTTATGTACTCTGCACCTTCTGG-3'
Protein context (NP_000072.2, residues 1529-1549): ERLIEEGCIH[Ile1539Val]ISLGSKALMI

ClinVar aggregate classification (germline): Uncertain significance (1 of 4 stars; one submission).

Conditions:
Chédiak-Higashi syndrome (CHS). Also called: Chediak-Higashi Syndrome. Identifiers: Orphanet 167, MedGen C0007965, MONDO:0008963, OMIM 214500.

Allele frequency attached by ClinVar (database versions not stated): TOPMed 0.00001; gnomAD 0.00002; ExAC 0.00003; gnomAD exomes 0.00005; ESP Exome Variant Server 0.00008.
gnomAD v4.1: 82 of 1,613,508 alleles (0.0051%); highest among the groups gnomAD compares: East Asian, 0.0067%; no homozygotes.

Submission:

Labcorp Genetics (formerly Invitae), Labcorp
Classification: Uncertain significance for Chédiak-Higashi syndrome. Last evaluated: 2024-01-17. Review status: criteria provided, single submitter. Criteria: Invitae Variant Classification Sherloc (09022015). Collection method: clinical testing. Allele origin: germline.
Comment: This sequence change replaces isoleucine, which is neutral and non-polar, with valine, which is neutral and non-polar, at codon 1539 of the LYST protein (p.Ile1539Val). This variant is present in population databases (rs368074318, gnomAD 0.006%). This variant has not been reported in the literature in individuals affected with LYST-related conditions. ClinVar contains an entry for this variant (Variation ID: 2083313). Advanced modeling of protein sequence and biophysical properties (such as structural, functional, and spatial information, amino acid conservation, physicochemical variation, residue mobility, and thermodynamic stability) performed at Invitae indicates that this missense variant is not expected to disrupt LYST protein function with a negative predictive value of 80%. In summary, the available evidence is currently insufficient to determine the role of this variant in disease. Therefore, it has been classified as a Variant of Uncertain Significance.